The following is an entry in ClinVar:

NM_002645.4(PIK3C2A):c.399T>G (p.Phe133Leu)

Gene: PIK3C2A (phosphatidylinositol-4-phosphate 3-kinase catalytic subunit type 2 alpha; minus strand). Cytogenetic location: 11p15.1.
Variant type: single nucleotide variant.
Coding change: c.399T>G on transcript NM_002645.4 (MANE Select); coding-DNA position 399, T replaced by G.
Protein change: p.Phe133Leu; replaces phenylalanine 133 with leucine.
Molecular consequence: missense variant. On other transcripts: intron variant (1).
Genome position (GRCh38, 1-based): chr11:17,169,343, A>C on the plus strand (T>G on the coding strand, the complement: PIK3C2A is on the minus strand). VCF-style: chr11-17169343-A-C. GRCh37 (hg19) VCF-style: chr11-17190890-A-C.
Other names: c.399T>G, p.Phe133Leu (NM_001321378.2, NM_001386870.1); c.-75-13714T>G (NM_001321380.2); c.399T>G (NM_001321378.1); short protein forms F133L.
Identifiers: ClinVar variation 1176564 (VCV001176564.43), dbSNP rs61755370, ClinGen allele CA5901580.
Genomic context (GRCh38, chr11:17,169,343, plus strand): 5'-AGCATAAGTGGAAGGCCCAGGTAATCCAGGTGGCCACTGTCCTCTCTGAATAGTAGGTCT[A>C]AAATAGAGCTGTGCTGAAAAGGAAGGGCTCAGAATAGGAGTAACTGGTAATACAGGTGTT-3'
Protein context (NP_002636.2, residues 123-143): LSPSFSAQLY[Phe133Leu]RPTIQRGQWP

ClinVar aggregate classification (germline): Benign/Likely benign. Review status: criteria provided, multiple submitters, no conflicts (2 of 4 stars). 5 submissions from 5 submitters: Benign (1); Likely benign (3). 1 of the submissions does not count toward it. Last evaluated 2026-07-01.

Conditions:
PIK3C2A-related disorder. Also called: PIK3C2A-related condition.

Allele frequency attached by ClinVar (database versions not stated): 1000 Genomes Project 0.00140; 1000 Genomes Project 30x 0.00141; gnomAD 0.00176 and 0.00194; TOPMed 0.00207; ESP Exome Variant Server 0.00239; gnomAD exomes 0.00285 and 0.00307; ExAC 0.00338.
gnomAD v4.1: 4,488 of 1,614,058 alleles (0.28%); highest among the groups gnomAD compares: Middle Eastern, 2.1%; 24 homozygotes.

Submissions (5):

CeGaT Center for Human Genetics Tuebingen
Classification: Likely benign. Last evaluated: 2026-07-01. Review status: criteria provided, single submitter. Criteria: CeGaT Center For Human Genetics Tuebingen Variant Classification Criteria Version 2. Collection method: clinical testing. Allele origin: germline. Affected: yes. Observed: 6 variant alleles.
Comment: PIK3C2A: BP4, BS2

Labcorp Genetics (formerly Invitae), Labcorp
Classification: Benign. Last evaluated: 2026-01-22. Review status: criteria provided, single submitter. Criteria: Invitae Variant Classification Sherloc (09022015). Collection method: clinical testing. Allele origin: germline.

Blueprint Genetics
Classification: Likely benign. Last evaluated: 2024-11-21. Review status: criteria provided, single submitter. Criteria: ACMG Guidelines, 2015. Collection method: clinical testing. Allele origin: germline.

Breakthrough Genomics
Classification: Likely benign. Review status: criteria provided, single submitter. Criteria: ACMG Guidelines, 2015. Collection method: not provided. Allele origin: germline. Inheritance: Autosomal recessive inheritance. Affected: yes.

PreventionGenetics, part of Exact Sciences
Classification: Benign for PIK3C2A-related condition. Last evaluated: 2019-11-25. Review status: no assertion criteria provided. Collection method: clinical testing. Allele origin: germline. Not counted in ClinVar's aggregate classification.
Comment: This variant is classified as benign based on ACMG/AMP sequence variant interpretation guidelines (Richards et al. 2015 PMID: 25741868, with internal and published modifications).